The following is an entry in ClinVar:

NM_000520.6(HEXA):c.778C>T (p.Pro260Ser)

Gene: HEXA (hexosaminidase subunit alpha; minus strand). Cytogenetic location: 15q23.
Variant type: single nucleotide variant.
Coding change: c.778C>T on transcript NM_000520.6 (MANE Select); coding-DNA position 778, C replaced by T.
Protein change: p.Pro260Ser; replaces proline 260 with serine.
Molecular consequence: missense variant. On other transcripts: non-coding transcript variant (1).
Genome position (GRCh38, 1-based): chr15:72,350,545, G>A on the plus strand (C>T on the coding strand, the complement: HEXA is on the minus strand). VCF-style: chr15-72350545-G-A. GRCh37 (hg19) VCF-style: chr15-72642886-G-A.
Other names: c.811C>T, p.Pro271Ser (NM_001318825.2); c.778C>T (NM_000520.4, NM_000520.5); short protein forms P260S, P271S.
Identifiers: ClinVar variation 2445713 (VCV002445713.2), dbSNP rs2542526303, ClinGen allele CA393063040.

ClinVar aggregate classification (germline): Conflicting classifications of pathogenicity. Review status: criteria provided, conflicting classifications (1 of 4 stars). 2 submissions from 2 submitters: Likely pathogenic (1); Uncertain significance (1). Last evaluated 2024-01-24.

Conditions:
Tay-Sachs disease (TSD). Also called: HEXA DEFICIENCY; Hexosaminidase A Deficiency; GM2 gangliosidosis, type 1; Hexosaminidase alpha-subunit deficiency (variant B); Sphingolipidosis, Tay-Sachs; HEXA Disorders. Identifiers: Orphanet 845, MedGen C0039373, MONDO:0010100, OMIM 272800.

Allele frequency attached by ClinVar (database versions not stated): gnomAD exomes below 0.00001.
gnomAD v4.1: 1 of 1,614,134 alleles (0.000062%); highest among the groups gnomAD compares: Non-Finnish European, 0.000085%; no homozygotes.

Submissions (2):

GeneDx
Classification: Uncertain significance. Last evaluated: 2024-01-24. Review status: criteria provided, single submitter. Criteria: GeneDx Variant Classification Process June 2021. Collection method: clinical testing. Allele origin: germline. Affected: yes.
Comment: In silico analysis supports that this missense variant has a deleterious effect on protein structure/function; Not observed at significant frequency in large population cohorts (gnomAD); This variant is associated with the following publications: (PMID: 31367523, 32815230, 31130284, 22789865)

Women's Health and Genetics/Laboratory Corporation of America, LabCorp
Classification: Likely pathogenic for Tay-Sachs disease. Last evaluated: 2023-02-05. Review status: criteria provided, single submitter. Criteria: LabCorp Variant Classification Summary - May 2015. Collection method: clinical testing. Allele origin: germline.
Comment: Variant summary: HEXA c.778C>T (p.Pro260Ser) results in a non-conservative amino acid change located in the Glycoside hydrolase family 20, catalytic domain (IPR015883) of the encoded protein sequence (ACMG PM1). Five of five in-silico tools predict a damaging effect of the variant on protein function (ACMG PP3). The variant was absent in 251482 control chromosomes (ACMG PM2). c.778C>T has been reported in the literature as a biallelic compound heterozygous or homozygous genotype in at-least two individuals affected with Tay-Sachs Disease (ACMG PP4, example, Gort_2012, Monies_2019). These data indicate that the variant is likely to be associated with disease. To our knowledge, no experimental evidence demonstrating an impact on protein function has been reported. No clinical diagnostic laboratories have submitted clinical-significance assessments for this variant to ClinVar after 2014. Based on the evidence outlined above, the variant was classified as likely pathogenic.

Literature cited by the submitters: PubMed 22789865 (cited by Women's Health and Genetics/Laboratory Corporation of America, LabCorp); PubMed 31130284 (cited by Women's Health and Genetics/Laboratory Corporation of America, LabCorp); PubMed 31367523 (cited by Women's Health and Genetics/Laboratory Corporation of America, LabCorp).